The following is an entry in ClinVar:

ClinVar aggregate classification (germline): Pathogenic. Review status: criteria provided, multiple submitters, no conflicts (2 of 4 stars). 2 submissions from 2 submitters: Pathogenic (2). Last evaluated 2021-09-05.

Conditions:
Deficiency of alpha-mannosidase (MANSA). Also called: Mannosidosis, alpha-, types I and II; LYSOSOMAL ALPHA-D-MANNOSIDASE DEFICIENCY; Alpha-Mannosidosis. Identifiers: Orphanet 61, MedGen C0024748, MONDO:0009561, OMIM 248500.

Submissions (2):

Genome-Nilou Lab
Classification: Pathogenic for Deficiency of alpha-mannosidase. Last evaluated: 2021-09-05. Review status: criteria provided, single submitter. Criteria: ACMG Guidelines, 2015. Collection method: clinical testing. Allele origin: germline. Affected: no.

Labcorp Genetics (formerly Invitae), Labcorp
Classification: Pathogenic for Deficiency of alpha-mannosidase. Last evaluated: 2020-09-21. Review status: criteria provided, single submitter. Criteria: Invitae Variant Classification Sherloc (09022015). Collection method: clinical testing. Allele origin: germline.
Comment: This sequence change creates a premature translational stop signal (p.Trp361Glyfs*3) in the MAN2B1 gene. It is expected to result in an absent or disrupted protein product. For these reasons, this variant has been classified as Pathogenic. Loss-of-function variants in MAN2B1 are known to be pathogenic (PMID: 9915946, 22161967). This variant has not been reported in the literature in individuals with MAN2B1-related conditions. This variant is not present in population databases (ExAC no frequency).

Literature cited by the submitters: PubMed 9915946 (cited by Labcorp Genetics (formerly Invitae), Labcorp); PubMed 22161967 (cited by Labcorp Genetics (formerly Invitae), Labcorp).

NM_000528.4(MAN2B1):c.1081del (p.Trp361fs)

Gene: MAN2B1 (mannosidase alpha class 2B member 1; minus strand). Cytogenetic location: 19p13.13.
Variant type: Deletion.
Coding change: c.1081del on transcript NM_000528.4 (MANE Select); coding-DNA position 1081, one base deleted (T; older notation c.1081delT).
Protein change: p.Trp361fs; shifts the reading frame from tryptophan 361.
Molecular consequence: frameshift variant.
Genome position (GRCh38, 1-based): chr19:12,658,456, A deleted on the plus strand (T on the coding strand, the reverse complement: MAN2B1 is on the minus strand). VCF-style (leftmost placement, unchanged base first): chr19-12658455-CA-C. GRCh37 (hg19) VCF-style: chr19-12769269-CA-C.
Other names: c.1078del, p.Trp360fs (NM_001173498.2); short protein forms W360fs, W361fs.
Identifiers: ClinVar variation 1075883 (VCV001075883.9), dbSNP rs2145261994, ClinGen allele CA2499225374.